The following is an entry in ClinVar:

NM_000211.5(ITGB2):c.421G>C (p.Asp141His)

Gene: ITGB2 (integrin subunit beta 2; minus strand). Cytogenetic location: 21q22.3.
Variant type: single nucleotide variant.
Coding change: c.421G>C on transcript NM_000211.5 (MANE Select); coding-DNA position 421, G replaced by C.
Protein change: p.Asp141His; replaces aspartic acid 141 with histidine.
Molecular consequence: missense variant.
Genome position (GRCh38, 1-based): chr21:44,903,443, C>G on the plus strand (G>C on the coding strand, the complement: ITGB2 is on the minus strand). VCF-style: chr21-44903443-C-G. GRCh37 (hg19) VCF-style: chr21-46323358-C-G.
Other names: c.421G>C, p.Asp141His (NM_001127491.3); c.214G>C, p.Asp72His (NM_001303238.2); short protein forms D72H, D141H.
Identifiers: ClinVar variation 1918247 (VCV001918247.5), dbSNP rs777770028, ClinGen allele CA10063219.

ClinVar aggregate classification (germline): Uncertain significance (1 of 4 stars; one submission).

Conditions:
Leukocyte adhesion deficiency 1 (LAD1). Also called: LEUKOCYTE ADHESION DEFICIENCY, TYPE I; LAD 1; Lymphocyte function-associated antigen 1 immunodeficiency; LFA 1 immunodeficiency. Identifiers: Orphanet 2968, Orphanet 99842, MedGen C0398738, MONDO:0007293, OMIM 116920.

Allele frequency attached by ClinVar (database versions not stated): ExAC 0.00001; gnomAD 0.00001.
gnomAD v4.1: 4 of 1,613,990 alleles (0.00025%); highest among the groups gnomAD compares: African/African-American, 0.0027%; no homozygotes.

Submission:

Labcorp Genetics (formerly Invitae), Labcorp
Classification: Uncertain significance for Leukocyte adhesion deficiency 1. Last evaluated: 2025-06-16. Review status: criteria provided, single submitter. Criteria: Invitae Variant Classification Sherloc (09022015). Collection method: clinical testing. Allele origin: germline.
Comment: This sequence change replaces aspartic acid, which is acidic and polar, with histidine, which is basic and polar, at codon 141 of the ITGB2 protein (p.Asp141His). This variant is present in population databases (rs777770028, gnomAD 0.007%). This variant has not been reported in the literature in individuals affected with ITGB2-related conditions. ClinVar contains an entry for this variant (Variation ID: 1918247). Invitae Evidence Modeling of protein sequence and biophysical properties (such as structural, functional, and spatial information, amino acid conservation, physicochemical variation, residue mobility, and thermodynamic stability) has been performed for this missense variant. However, the output from this modeling did not meet the statistical confidence thresholds required to predict the impact of this variant on ITGB2 protein function. In summary, the available evidence is currently insufficient to determine the role of this variant in disease. Therefore, it has been classified as a Variant of Uncertain Significance.